The following is an entry in ClinVar:

ClinVar aggregate classification (germline): Benign (1 of 4 stars; one submission).

Conditions:
Hereditary coproporphyria (HCP). Also called: Hereditary coproporphyria porphyria; Porphyria hepatica coproporphyria; Porphyria hepatica II; CPRO deficiency; COPROPORPHYRINOGEN OXIDASE DEFICIENCY; CPO DEFICIENCY. Identifiers: Orphanet 79273, MedGen C0162531, MONDO:0007369, OMIM 121300.

Allele frequency attached by ClinVar (database versions not stated): 1000 Genomes Project 30x 0.00172; gnomAD 0.00196 and 0.00215; 1000 Genomes Project 0.00200; TOPMed 0.00216.

Submission:

Illumina Laboratory Services, Illumina
Classification: Benign for Hereditary coproporphyria. Last evaluated: 2018-01-13. Review status: criteria provided, single submitter. Criteria: ICSL Variant Classification Criteria 13 December 2019. Collection method: clinical testing. Allele origin: germline.
Comment: This variant was observed in the ICSL laboratory as part of a predisposition screen in an ostensibly healthy population. It had not been previously curated by ICSL or reported in the Human Gene Mutation Database (HGMD: prior to June 1st, 2018), and was therefore a candidate for classification through an automated scoring system. Utilizing variant allele frequency, disease prevalence and penetrance estimates, and inheritance mode, an automated score was calculated to assess if this variant is too frequent to cause the disease. Based on the score and internal cut-off values, a variant classified as benign is not then subjected to further curation. The score for this variant resulted in a classification of benign for this disease.

NM_000097.7(CPOX):c.*195T>C

Gene: CPOX (coproporphyrinogen oxidase; minus strand). Cytogenetic location: 3q11.2.
Variant type: single nucleotide variant.
Coding change: c.*195T>C on transcript NM_000097.7 (MANE Select); 195 bases downstream of the stop codon, T replaced by C.
Molecular consequence: 3 prime UTR variant.
Genome position (GRCh38, 1-based): chr3:98,580,488, A>G on the plus strand (T>C on the coding strand, the complement: CPOX is on the minus strand). VCF-style: chr3-98580488-A-G. GRCh37 (hg19) VCF-style: chr3-98299332-A-G.
Identifiers: ClinVar variation 899847 (VCV000899847.4), dbSNP rs139248891, ClinGen allele CA80082504.